The following is an entry in ClinVar:

ClinVar aggregate classification (germline): Uncertain significance. Review status: criteria provided, multiple submitters, no conflicts (2 of 4 stars). 4 submissions from 4 submitters: Uncertain significance (4). Last evaluated 2024-12-04.

Conditions:
Aortic aneurysm, familial thoracic 4 (AAT4). Also called: AORTIC ANEURYSM/AORTIC DISSECTION AND PATENT DUCTUS ARTERIOSUS. Identifiers: MedGen C1851504, MONDO:0007568, OMIM 132900.
Familial thoracic aortic aneurysm and aortic dissection (TAAD). Also called: Thoracic aortic aneurysms and dissections. Identifiers: Orphanet 91387, MedGen C4707243, MONDO:0019625.

Allele frequency attached by ClinVar (database versions not stated): gnomAD exomes 0.00001.
gnomAD v4.1: 11 of 1,614,166 alleles (0.00068%); highest among the groups gnomAD compares: South Asian, 0.0066%; no homozygotes.

Submissions (4):

Labcorp Genetics (formerly Invitae), Labcorp
Classification: Uncertain significance for Aortic aneurysm, familial thoracic 4. Last evaluated: 2024-12-04. Review status: criteria provided, single submitter. Criteria: Invitae Variant Classification Sherloc (09022015). Collection method: clinical testing. Allele origin: germline.
Comment: This sequence change replaces histidine, which is basic and polar, with tyrosine, which is neutral and polar, at codon 1809 of the MYH11 protein (p.His1809Tyr). This variant is present in population databases (no rsID available, gnomAD 0.003%). This variant has not been reported in the literature in individuals affected with MYH11-related conditions. ClinVar contains an entry for this variant (Variation ID: 920647). Invitae Evidence Modeling of protein sequence and biophysical properties (such as structural, functional, and spatial information, amino acid conservation, physicochemical variation, residue mobility, and thermodynamic stability) indicates that this missense variant is not expected to disrupt MYH11 protein function with a negative predictive value of 95%. In summary, the available evidence is currently insufficient to determine the role of this variant in disease. Therefore, it has been classified as a Variant of Uncertain Significance.

Color Diagnostics, LLC DBA Color Health
Classification: Uncertain significance for Familial thoracic aortic aneurysm and aortic dissection. Last evaluated: 2024-03-07. Review status: criteria provided, single submitter. Criteria: ACMG Guidelines, 2015. Collection method: clinical testing. Allele origin: germline.
Comment: This missense variant replaces histidine with tyrosine at codon 1809 of the MYH11 protein. Computational prediction suggests that this variant may not impact protein structure and function (internally defined REVEL score threshold <= 0.5, PMID: 27666373). To our knowledge, functional studies have not been reported for this variant. This variant has not been reported in individuals affected with MYH11-related disorders in the literature. This variant has been identified in 2/251334 chromosomes in the general population by the Genome Aggregation Database (gnomAD). The available evidence is insufficient to determine the role of this variant in disease conclusively. Therefore, this variant is classified as a Variant of Uncertain Significance.

All of Us Research Program, National Institutes of Health
Classification: Uncertain significance for Familial thoracic aortic aneurysm and aortic dissection. Last evaluated: 2023-05-16. Review status: criteria provided, single submitter. Criteria: ACMG Guidelines, 2015. Collection method: clinical testing. Allele origin: germline. Inheritance: Autosomal dominant inheritance. Observed: 1 variant allele, 1 heterozygote.
Comment: This missense variant replaces histidine with tyrosine at codon 1809 of the MYH11 protein. Computational prediction is inconclusive regarding the impact of this variant on protein structure and function (internally defined REVEL score threshold 0.5 < inconclusive < 0.7, PMID: 27666373). Splice site prediction tools suggest that this variant may not impact RNA splicing. To our knowledge, functional studies have not been performed for this variant. This variant has not been reported in individuals affected with cardiovascular disorders in the literature. This variant has been identified in 2/251334 chromosomes in the general population by the Genome Aggregation Database (gnomAD). The available evidence is insufficient to determine the role of this variant in disease conclusively. Therefore, this variant is classified as a Variant of Uncertain Significance.

This study involves interpretation of variants in research participants for the purpose of population health screening. Participant phenotype was not available at the time of variant classification. Additional details can be found in publication PMID: 35346344, PMCID: PMC8962531

Ambry Genetics
Classification: Uncertain significance for Familial thoracic aortic aneurysm and aortic dissection. Last evaluated: 2021-07-01. Review status: criteria provided, single submitter. Criteria: Ambry Variant Classification Scheme 2023. Collection method: clinical testing. Allele origin: germline.
Comment: The p.H1802Y variant (also known as c.5404C>T), located in coding exon 37 of the MYH11 gene, results from a C to T substitution at nucleotide position 5404. The histidine at codon 1802 is replaced by tyrosine, an amino acid with similar properties. This amino acid position is conserved. In addition, this alteration is predicted to be tolerated by in silico analysis. Since supporting evidence is limited at this time, the clinical significance of this alteration remains unclear.

NM_002474.3(MYH11):c.5404C>T (p.His1802Tyr)

Genes: MYH11 (myosin heavy chain 11; minus strand), NDE1 (nudE neurodevelopment protein 1; plus strand). Cytogenetic location: 16p13.11.
Variant type: single nucleotide variant.
Coding change: c.5404C>T on transcript NM_002474.3 (MANE Select); coding-DNA position 5404, C replaced by T.
Protein change: p.His1802Tyr; replaces histidine 1802 with tyrosine.
Molecular consequence: missense variant. On other transcripts: intron variant (2).
Genome position (GRCh38, 1-based): chr16:15,717,240, G>A on the plus strand (C>T on the coding strand, the complement: MYH11 is on the minus strand). VCF-style: chr16-15717240-G-A. GRCh37 (hg19) VCF-style: chr16-15811097-G-A.
Other names: c.5425C>T, p.His1809Tyr (NM_001040113.2, NM_001040114.2); c.5404C>T, p.His1802Tyr (NM_022844.3); c.948-6951G>A (NM_001143979.2, NM_017668.3); short protein forms H1809Y, H1802Y.
Identifiers: ClinVar variation 920647 (VCV000920647.13), dbSNP rs1485890422, ClinGen allele CA394848966.